The following is an entry in ClinVar:

ClinVar aggregate classification (germline): Uncertain significance (1 of 4 stars; one submission).

Submission:

Labcorp Genetics (formerly Invitae), Labcorp
Classification: Uncertain significance. Last evaluated: 2024-11-11. Review status: criteria provided, single submitter. Criteria: Invitae Variant Classification Sherloc (09022015). Collection method: clinical testing. Allele origin: germline.
Comment: This sequence change replaces leucine, which is neutral and non-polar, with valine, which is neutral and non-polar, at codon 1531 of the COL4A2 protein (p.Leu1531Val). This variant is not present in population databases (gnomAD no frequency). This variant has not been reported in the literature in individuals affected with COL4A2-related conditions. ClinVar contains an entry for this variant (Variation ID: 1717240). Invitae Evidence Modeling of protein sequence and biophysical properties (such as structural, functional, and spatial information, amino acid conservation, physicochemical variation, residue mobility, and thermodynamic stability) has been performed for this missense variant. However, the output from this modeling did not meet the statistical confidence thresholds required to predict the impact of this variant on COL4A2 protein function. In summary, the available evidence is currently insufficient to determine the role of this variant in disease. Therefore, it has been classified as a Variant of Uncertain Significance.

NM_001846.4(COL4A2):c.4591C>G (p.Leu1531Val)

Genes: COL4A2 (collagen type IV alpha 2 chain; plus strand), COL4A2-AS1 (COL4A2 antisense RNA 1; minus strand). Cytogenetic location: 13q34.
Variant type: single nucleotide variant.
Coding change: c.4591C>G on transcript NM_001846.4 (MANE Select); coding-DNA position 4591, C replaced by G.
Protein change: p.Leu1531Val; replaces leucine 1531 with valine.
Molecular consequence: missense variant.
Genome position (GRCh38, 1-based): chr13:110,506,603, C>G. VCF-style: chr13-110506603-C-G. GRCh37 (hg19) VCF-style: chr13-111158950-C-G.
Other names: short protein forms L1531V.
Identifiers: ClinVar variation 1717240 (VCV001717240.5), dbSNP rs1883892472, ClinGen allele CA388740706.
Genomic context (GRCh38, chr13:110,506,603, plus strand): 5'-CTCTGGAGTGGATACAGCCTGCTGTACTTCGAGGGCCAGGAGAAGGCGCACAACCAGGAC[C>G]TGGGTAGGTACCTCCCACCCGGCCCCCGTTGCCTGCTCAGGGCTGGCCCGGAAGTGGCCA-3'
Protein context (NP_001837.2, residues 1521-1541): EGQEKAHNQD[Leu1531Val]GLAGSCLARF